The following is an entry in ClinVar:

ClinVar aggregate classification (germline): Uncertain significance. Review status: criteria provided, multiple submitters, no conflicts (2 of 4 stars). 6 submissions from 6 submitters: Uncertain significance (6). Last evaluated 2026-08-20.

Conditions:
Inborn genetic diseases. Identifiers: MedGen C0950123, MeSH D030342.
PDZD7-related disorder. Also called: PDZD7-related condition; PDZD7-related disorders.
Usher syndrome type 2C. Also called: Usher syndrome, type 2B; USHER SYNDROME, TYPE IIC. Identifiers: Orphanet 231178, Orphanet 886, MedGen C2931213, MONDO:0011558, OMIM 605472.
Hearing loss, autosomal recessive 57. Also called: DEAFNESS, AUTOSOMAL RECESSIVE 57. Identifiers: MedGen C4693893, MONDO:0033201, OMIM 618003.
Usher syndrome type 2A. Also called: RETINAL DISEASE IN USHER SYNDROME TYPE IIA, MODIFIER OF; USHER SYNDROME, TYPE IIA. Identifiers: Orphanet 231178, Orphanet 886, MedGen C1848634, MONDO:0010169, OMIM 276901.

Allele frequency attached by ClinVar (database versions not stated): TOPMed 0.00010; ESP Exome Variant Server 0.00031.
gnomAD v4.1: 193 of 1,614,058 alleles (0.012%); highest among the groups gnomAD compares: Admixed American, 0.042%; no homozygotes.

Submissions (6):

GeneDx
Classification: Uncertain significance. Last evaluated: 2026-08-20. Review status: criteria provided, single submitter. Criteria: GeneDx Variant Classification Process June 2021. Collection method: clinical testing. Allele origin: germline.
Comment: In silico analysis suggests that this missense variant does not alter protein structure/function; Has not been previously published as pathogenic or benign to our knowledge

PreventionGenetics, part of Exact Sciences
Classification: Uncertain significance for PDZD7-related condition. Last evaluated: 2026-02-18. Review status: criteria provided, single submitter. Criteria: ACMG Guidelines, 2015. Collection method: clinical testing. Allele origin: germline.
Comment: The PDZD7 c.598G>A variant is predicted to result in the amino acid substitution p.Asp200Asn. To our knowledge, this variant has not been reported in the literature. This variant is reported in 0.062% of alleles in individuals of Latino descent in gnomAD. Although we suspect that this variant may be benign, at this time, the clinical significance of this variant is uncertain due to the absence of conclusive functional and genetic evidence.

Blueprint Genetics
Classification: Uncertain significance. Last evaluated: 2024-08-19. Review status: criteria provided, single submitter. Criteria: ACMG Guidelines, 2015. Collection method: clinical testing. Allele origin: germline.

Labcorp Genetics (formerly Invitae), Labcorp
Classification: Uncertain significance. Last evaluated: 2022-10-25. Review status: criteria provided, single submitter. Criteria: Invitae Variant Classification Sherloc (09022015). Collection method: clinical testing. Allele origin: germline.
Comment: This sequence change replaces aspartic acid, which is acidic and polar, with asparagine, which is neutral and polar, at codon 200 of the PDZD7 protein (p.Asp200Asn). This variant is present in population databases (rs145910584, gnomAD 0.06%). This variant has not been reported in the literature in individuals affected with PDZD7-related conditions. ClinVar contains an entry for this variant (Variation ID: 1039923). Advanced modeling of protein sequence and biophysical properties (such as structural, functional, and spatial information, amino acid conservation, physicochemical variation, residue mobility, and thermodynamic stability) performed at Invitae indicates that this missense variant is not expected to disrupt PDZD7 protein function. In summary, the available evidence is currently insufficient to determine the role of this variant in disease. Therefore, it has been classified as a Variant of Uncertain Significance.

Fulgent Genetics
Classification: Uncertain significance for Usher syndrome type 2A; Usher syndrome type 2C; Hearing loss, autosomal recessive 57. Last evaluated: 2022-03-25. Review status: criteria provided, single submitter. Criteria: ACMG Guidelines, 2015. Collection method: clinical testing. Allele origin: unknown.

Ambry Genetics
Classification: Uncertain significance for Inborn genetic diseases. Last evaluated: 2021-09-16. Review status: criteria provided, single submitter. Criteria: Ambry Variant Classification Scheme 2023. Collection method: clinical testing. Allele origin: germline.

NM_001195263.2(PDZD7):c.598G>A (p.Asp200Asn)

Gene: PDZD7 (PDZ domain containing 7; minus strand). Cytogenetic location: 10q24.31.
Variant type: single nucleotide variant.
Coding change: c.598G>A on transcript NM_001195263.2 (MANE Select); coding-DNA position 598, G replaced by A.
Protein change: p.Asp200Asn; replaces aspartic acid 200 with asparagine.
Molecular consequence: missense variant.
Genome position (GRCh38, 1-based): chr10:101,022,330, C>T on the plus strand (G>A on the coding strand, the complement: PDZD7 is on the minus strand). VCF-style: chr10-101022330-C-T. GRCh37 (hg19) VCF-style: chr10-102782087-C-T.
Other names: c.598G>A, p.Asp200Asn (NM_024895.5, NM_001351044.2); short protein forms D200N.
Identifiers: ClinVar variation 1039923 (VCV001039923.12), dbSNP rs145910584, ClinGen allele CA5654321.